The following is an entry in ClinVar:

NM_005334.3(HCFC1):c.3344G>T (p.Gly1115Val)

Gene: HCFC1 (host cell factor C1; minus strand). Cytogenetic location: Xq28.
Variant type: single nucleotide variant.
Coding change: c.3344G>T on transcript NM_005334.3 (MANE Select); coding-DNA position 3344, G replaced by T.
Protein change: p.Gly1115Val; replaces glycine 1115 with valine.
Molecular consequence: missense variant.
Genome position (GRCh38, 1-based): chrX:153,955,055, C>A on the plus strand (G>T on the coding strand, the complement: HCFC1 is on the minus strand). VCF-style: chrX-153955055-C-A. GRCh37 (hg19) VCF-style: chrX-153220506-C-A.
Other names: short protein forms G1115V.
Identifiers: ClinVar variation 452312 (VCV000452312.3), dbSNP rs370928756, ClinGen allele CA10557203.

ClinVar aggregate classification (germline): Uncertain significance. Review status: criteria provided, multiple submitters, no conflicts (2 of 4 stars). 2 submissions from 2 submitters: Uncertain significance (2). Last evaluated 2025-03-18.

Conditions:
Inborn genetic diseases. Identifiers: MedGen C0950123, MeSH D030342.

Allele frequency attached by ClinVar (database versions not stated): gnomAD exomes 0.00001 and 0.00002; ESP Exome Variant Server 0.00010; TOPMed 0.00002; ExAC 0.00003; gnomAD 0.00001.
gnomAD v4.1: 9 of 1,209,313 alleles (0.00074%); highest among the groups gnomAD compares: Non-Finnish European, 0.001%; no homozygotes.

Submissions (2):

Ambry Genetics
Classification: Uncertain significance for Inborn genetic diseases. Last evaluated: 2025-03-18. Review status: criteria provided, single submitter. Criteria: Ambry Variant Classification Scheme 2023. Collection method: clinical testing. Allele origin: germline.

GeneDx
Classification: Uncertain significance. Last evaluated: 2017-10-11. Review status: criteria provided, single submitter. Criteria: GeneDx Variant Classification (06012015). Collection method: clinical testing. Allele origin: germline. Affected: yes.
Comment: The G1115V variant has not been published as a pathogenic variant, nor has it been reported as a benign variant to our knowledge. The G1115V variant is observed in 3/78197 (0.004%) alleles from individuals of European background, including 2 unrelated hemizygous individuals in large population cohorts (Lek et al., 2016). The G1115V variant is a conservative amino acid substitution, which is not likely to impact secondary protein structure as these residues share similar properties. This substitution occurs at a position that is conserved across species. In silico analysis predicts this variant is probably damaging to the protein structure/function. In summary, based on the currently available information, it is unclear whether this variant is a pathogenic variant or a rare benign variant.